The following is an entry in ClinVar:

ClinVar aggregate classification (germline): Uncertain significance (1 of 4 stars; one submission).

Conditions:
Dysarthria. Identifiers: MedGen C0013362, HP:0001260.

Submission:

Clinical Genetics Laboratory, Skane University Hospital Lund
Classification: Uncertain significance for Dysarthria. Last evaluated: 2025-01-07. Review status: criteria provided, single submitter. Criteria: ACMG Guidelines, 2015. Collection method: clinical testing. Allele origin: germline. Affected: yes.
Comment: ACMG criteria used: PM2, PP3

NM_020702.5(MYORG):c.1786T>G (p.Tyr596Asp)

Gene: MYORG (myogenesis regulating glycosidase; minus strand). Cytogenetic location: 9p13.3.
Variant type: single nucleotide variant.
Coding change: c.1786T>G on transcript NM_020702.5 (MANE Select); coding-DNA position 1786, T replaced by G.
Protein change: p.Tyr596Asp; replaces tyrosine 596 with aspartic acid.
Molecular consequence: missense variant.
Genome position (GRCh38, 1-based): chr9:34,371,158, A>C on the plus strand (T>G on the coding strand, the complement: MYORG is on the minus strand). VCF-style: chr9-34371158-A-C. GRCh37 (hg19) VCF-style: chr9-34371156-A-C.
Other names: short protein forms Y596D.
Identifiers: ClinVar variation 3770239 (VCV003770239.1).